The following is an entry in ClinVar:

NM_000059.4(BRCA2):c.6548A>T (p.Glu2183Val)

Gene: BRCA2 (BRCA2 DNA repair associated; plus strand). Cytogenetic location: 13q13.1.
Variant type: single nucleotide variant.
Coding change: c.6548A>T on transcript NM_000059.4 (MANE Select); coding-DNA position 6548, A replaced by T.
Protein change: p.Glu2183Val; replaces glutamic acid 2183 with valine.
Molecular consequence: missense variant.
Genome position (GRCh38, 1-based): chr13:32,340,903, A>T. VCF-style: chr13-32340903-A-T. GRCh37 (hg19) VCF-style: chr13-32915040-A-T.
Other names: short protein forms E2183V.
Identifiers: ClinVar variation 418087 (VCV000418087.4), dbSNP rs1064793068, ClinGen allele CA16619750.

ClinVar aggregate classification (germline): Conflicting classifications of pathogenicity. Review status: criteria provided, conflicting classifications (1 of 4 stars). 2 submissions from 2 submitters: Uncertain significance (1); Likely benign (1). Last evaluated 2023-03-23.

Conditions:
Hereditary cancer-predisposing syndrome. Also called: Hereditary neoplastic syndrome; Tumor predisposition; Neoplastic Syndromes, Hereditary; Hereditary Cancer Syndrome. Identifiers: Orphanet 140162, MedGen C0027672, MeSH D009386, MONDO:0015356.

Submissions (2):

University of Washington Department of Laboratory Medicine, University of Washington
Classification: Likely benign for Hereditary cancer-predisposing syndrome. Last evaluated: 2023-03-23. Review status: criteria provided, single submitter. Criteria: Dines et al. (Genet Med. 2020). Collection method: curation. Allele origin: germline.
Comment: Missense variant in a coldspot region where missense variants are very unlikely to be pathogenic (PMID:31911673).

BRCA2 exon 11 coldspot. Reclassification based on statistical prior probability.

GeneDx
Classification: Uncertain significance. Last evaluated: 2015-02-06. Review status: criteria provided, single submitter. Criteria: GeneDx Variant Classification (06012015). Collection method: clinical testing. Allele origin: germline. Affected: yes.
Comment: This variant is denoted BRCA2 c.6548A>T at the cDNA level, p.Glu2183Val (E2183V) at the protein level, and results in the change of a Glutamic Acid to a Valine (GAA>GTA). Using alternate nomenclature, this variant would be defined as BRCA2 6776A>T. This variant has not, to our knowledge, been published in the literature as pathogenic or benign. BRCA2 Glu2183Val was not observed in approximately 6,500 individuals of European and African American ancestry in the NHLBI Exome Sequencing Project, indicating it is not a common benign variant in these populations. Since Glutamic Acid and Valine differ in polarity, charge, size or other properties, this is considered a non-conservative amino acid substitution. BRCA2 Glu2183Val occurs at a position that is moderately conserved across species and is not located in a known functional domain (UniProt). In silico analyses are inconsistent regarding the effect this variant may have on protein structure and function. Based on currently available information, it is unclear whether BRCA2 Glu2183Val is pathogenic or benign. We consider it to be a variant of uncertain significance.